The following is an entry in ClinVar:

ClinVar aggregate classification (germline): Uncertain significance. Review status: criteria provided, multiple submitters, no conflicts (2 of 4 stars). 5 submissions from 5 submitters: Uncertain significance (5). Last evaluated 2025-07-11.

Conditions:
Hereditary cancer-predisposing syndrome. Also called: Hereditary Cancer Syndrome; Tumor predisposition; Hereditary neoplastic syndrome; Neoplastic Syndromes, Hereditary. Identifiers: Orphanet 140162, MedGen C0027672, MeSH D009386, MONDO:0015356.
Familial adenomatous polyposis 1 (FAP1). Also called: FAMILIAL ADENOMATOUS POLYPOSIS 1, ATTENUATED; POLYPOSIS, ADENOMATOUS INTESTINAL. Identifiers: MedGen C2713442, MONDO:0021056, OMIM 175100. Disease mechanism: loss of function.

Allele frequency attached by ClinVar (database versions not stated): TOPMed below 0.00001; gnomAD 0.00001.
gnomAD v4.1: 2 of 1,607,870 alleles (0.00012%); highest among the groups gnomAD compares: African/African-American, 0.0027%; no homozygotes.

Submissions (5):

Women's Health and Genetics/Laboratory Corporation of America, LabCorp
Classification: Uncertain significance. Last evaluated: 2025-07-11. Review status: criteria provided, single submitter. Criteria: LabCorp Variant Classification Summary - May 2015. Collection method: clinical testing. Allele origin: germline.

Labcorp Genetics (formerly Invitae), Labcorp
Classification: Uncertain significance for Familial adenomatous polyposis 1. Last evaluated: 2025-05-07. Review status: criteria provided, single submitter. Criteria: Invitae Variant Classification Sherloc (09022015). Collection method: clinical testing. Allele origin: germline.
Comment: This sequence change replaces glutamic acid, which is acidic and polar, with aspartic acid, which is acidic and polar, at codon 2824 of the APC protein (p.Glu2824Asp). This variant is not present in population databases (gnomAD no frequency). This variant has not been reported in the literature in individuals affected with APC-related conditions. ClinVar contains an entry for this variant (Variation ID: 1411605). Invitae Evidence Modeling of protein sequence and biophysical properties (such as structural, functional, and spatial information, amino acid conservation, physicochemical variation, residue mobility, and thermodynamic stability) indicates that this missense variant is not expected to disrupt APC protein function with a negative predictive value of 95%. In summary, the available evidence is currently insufficient to determine the role of this variant in disease. Therefore, it has been classified as a Variant of Uncertain Significance.

Ambry Genetics
Classification: Uncertain significance for Hereditary cancer-predisposing syndrome. Last evaluated: 2024-12-11. Review status: criteria provided, single submitter. Criteria: Ambry Variant Classification Scheme 2023. Collection method: clinical testing. Allele origin: germline.
Comment: The p.E2824D variant (also known as c.8472A>T), located in coding exon 15 of the APC gene, results from an A to T substitution at nucleotide position 8472. The glutamic acid at codon 2824 is replaced by aspartic acid, an amino acid with highly similar properties. Missense alterations in APC are not a common cause of disease (Spier I et al. Genet Med. 2024 Feb;26(2):100992). This amino acid position is not well conserved in available vertebrate species. In addition, in silico predictors for this gene do not accurately predict pathogenicity. Based on the available evidence, the clinical significance of this variant remains unclear.

Baylor Genetics
Classification: Uncertain significance for Familial adenomatous polyposis 1. Last evaluated: 2024-03-25. Review status: criteria provided, single submitter. Criteria: ACMG Guidelines, 2015. Collection method: clinical testing. Allele origin: unknown.

GeneDx
Classification: Uncertain significance. Last evaluated: 2022-06-10. Review status: criteria provided, single submitter. Criteria: GeneDx Variant Classification Process June 2021. Collection method: clinical testing. Allele origin: germline. Affected: yes.
Comment: Not observed at significant frequency in large population cohorts (gnomAD); In silico analysis supports that this missense variant does not alter protein structure/function; Has not been previously published as pathogenic or benign to our knowledge; This variant is associated with the following publications: (PMID: 18199528)

NM_000038.6(APC):c.8472A>T (p.Glu2824Asp)

Gene: APC (APC regulator of Wnt signaling pathway; plus strand). Cytogenetic location: 5q22.2.
Variant type: single nucleotide variant.
Coding change: c.8472A>T on transcript NM_000038.6 (MANE Select); coding-DNA position 8472, A replaced by T.
Protein change: p.Glu2824Asp; replaces glutamic acid 2824 with aspartic acid.
Molecular consequence: missense variant.
Genome position (GRCh38, 1-based): chr5:112,844,066, A>T. VCF-style: chr5-112844066-A-T. GRCh37 (hg19) VCF-style: chr5-112179763-A-T.
Other names: c.8472A>T, p.Glu2824Asp (NM_001127510.3, NM_001354895.2); c.8418A>T, p.Glu2806Asp (NM_001127511.3); c.8526A>T, p.Glu2842Asp (NM_001354896.2); c.8502A>T, p.Glu2834Asp (NM_001354897.2); c.8397A>T, p.Glu2799Asp (NM_001354898.2); c.8388A>T, p.Glu2796Asp (NM_001354899.2); c.8349A>T, p.Glu2783Asp (NM_001354900.2); c.8295A>T, p.Glu2765Asp (NM_001354901.2); and 5 more; short protein forms E2541D, E2698D, E2733D, E2765D, E2824D, E2834D, E2664D, E2796D.
Identifiers: ClinVar variation 1411605 (VCV001411605.14), dbSNP rs904461634, ClinGen allele CA16039711.